The following is an entry in ClinVar:

NM_000152.5(GAA):c.1219T>C (p.Tyr407His)

Gene: GAA (alpha glucosidase; plus strand). Cytogenetic location: 17q25.3.
Variant type: single nucleotide variant.
Coding change: c.1219T>C on transcript NM_000152.5 (MANE Select); coding-DNA position 1219, T replaced by C.
Protein change: p.Tyr407His; replaces tyrosine 407 with histidine.
Molecular consequence: missense variant.
Genome position (GRCh38, 1-based): chr17:80,108,721, T>C. VCF-style: chr17-80108721-T-C. GRCh37 (hg19) VCF-style: chr17-78082520-T-C.
Other names: c.1219T>C, p.Tyr407His (NM_001079803.3, NM_001079804.3); short protein forms Y407H.
Identifiers: ClinVar variation 167112 (VCV000167112.21), dbSNP rs727503939, ClinGen allele CA234047.

ClinVar aggregate classification (germline): Conflicting classifications of pathogenicity. Review status: criteria provided, conflicting classifications (1 of 4 stars). 6 submissions from 6 submitters: Pathogenic (1); Uncertain significance (5). Last evaluated 2026-07-01.

Conditions:
Glycogen storage disease, type II (IOPD). Also called: CARDIOMEGALIA GLYCOGENICA DIFFUSA; Glucosidase acid-1,4-alpha deficiency; GLYCOGENOSIS, GENERALIZED, CARDIAC FORM; GSD II; Glycogen storage disease type 2; Acid maltase deficiency disease. Identifiers: Orphanet 365, MedGen C0017921, MONDO:0009290, OMIM 232300.

Submissions (6):

Genomenon, Inc
Classification: Uncertain significance for Glycogen storage disease, type II. Last evaluated: 2026-07-01. Review status: criteria provided, single submitter. Criteria: Genomenon Sequence Variant Interpretation Standards - Updated. Collection method: curation. Allele origin: germline. Affected: yes.
Comment: GAA p.Tyr407His (c.1219T>C) is a missense variant that changes the amino acid at codon 407 from Tyrosine to Histidine. This variant has been observed in at least one proband with a GAA-related disorder in the compound heterozygous and/or homozygous state (PMID:39227307). It is absent or not present at a significant frequency in gnomAD. In silico models predict that this variant is possibly or probably damaging. In conclusion, we classify GAA p.Tyr407His (c.1219T>C) as a variant of uncertain significance.

Labcorp Genetics (formerly Invitae), Labcorp
Classification: Pathogenic for Glycogen storage disease, type II. Last evaluated: 2025-12-08. Review status: criteria provided, single submitter. Criteria: Invitae Variant Classification Sherloc (09022015). Collection method: clinical testing. Allele origin: germline.
Comment: This sequence change replaces tyrosine, which is neutral and polar, with histidine, which is basic and polar, at codon 407 of the GAA protein (p.Tyr407His). This variant is not present in population databases (gnomAD no frequency). This missense change has been observed in individual(s) with clinical features of Pompe disease (internal data). In at least one individual the data is consistent with being in trans (on the opposite chromosome) from a pathogenic variant. ClinVar contains an entry for this variant (Variation ID: 167112). Invitae Evidence Modeling of protein sequence and biophysical properties (such as structural, functional, and spatial information, amino acid conservation, physicochemical variation, residue mobility, and thermodynamic stability) indicates that this missense variant is expected to disrupt GAA protein function with a positive predictive value of 95%. For these reasons, this variant has been classified as Pathogenic.

Revvity Omics, Revvity
Classification: Uncertain significance. Last evaluated: 2025-04-02. Review status: criteria provided, single submitter. Criteria: ACMG Guidelines, 2015. Collection method: clinical testing. Allele origin: germline.

Fulgent Genetics
Classification: Uncertain significance for Glycogen storage disease, type II. Last evaluated: 2021-10-31. Review status: criteria provided, single submitter. Criteria: ACMG Guidelines, 2015. Collection method: clinical testing. Allele origin: unknown.

Genome-Nilou Lab
Classification: Uncertain significance for Glycogen storage disease, type II. Last evaluated: 2021-09-05. Review status: criteria provided, single submitter. Criteria: ACMG Guidelines, 2015. Collection method: clinical testing. Allele origin: germline. Affected: no.

Eurofins Ntd Llc (ga)
Classification: Uncertain significance. Last evaluated: 2015-08-07. Review status: criteria provided, single submitter. Criteria: EGL Classification Definitions 2015. Collection method: clinical testing. Allele origin: germline. Observed: 3 variant alleles, 3 heterozygotes.

Literature cited by the submitters: PubMed 39227307 (cited by Genomenon, Inc).